The following is an entry in ClinVar:

NM_005105.5(RBM8A):c.67+32G>C

Genes: LIX1L-AS1 (LIX1L antisense RNA 1; plus strand), RBM8A (RNA binding motif protein 8A; minus strand), LOC126805851 (MED14-independent group 3 enhancer GRCh37_chr1:145507474-145508673; plus strand). Cytogenetic location: 1q21.1.
Variant type: single nucleotide variant.
Coding change: c.67+32G>C on transcript NM_005105.5 (MANE Select); 32 bases into the intron after coding-DNA position 67, G replaced by C.
Molecular consequence: intron variant. On other transcripts: non-coding transcript variant (1).
Genome position (GRCh38, 1-based): chr1:145,927,328, C>G on the plus strand (G>C on the coding strand, the complement: RBM8A is on the minus strand). VCF-style: chr1-145927328-C-G. GRCh37 (hg19) VCF-style: chr1-145507765-G-C.
Other names: rs201779890; p.?; IVS1, G-C.
Identifiers: ClinVar variation 30465 (VCV000030465.55), dbSNP rs201779890, ClinGen allele CA249835.

ClinVar aggregate classification (germline): Pathogenic/Likely pathogenic/Pathogenic, low penetrance/Established risk allele. Review status: criteria provided, multiple submitters, no conflicts (2 of 4 stars). 27 submissions from 27 submitters: Pathogenic (15); Likely pathogenic (4); Pathogenic, low penetrance (1); Established risk allele (1). 6 of the submissions do not count toward it. Last evaluated 2026-11-25.

Conditions:
LIX1L-AS1 & RBM8A-related disorders.
Fetal anomalies with a likely genetic cause.
Global developmental delay (DD). Also called: Cognitive delay. Identifiers: MedGen C0557874, HP:0001263. Disease mechanism: loss of function.
Abnormal brain morphology. Also called: Abnormality of brain morphology. Identifiers: MedGen C4021085, HP:0012443.
Clinodactyly of the 5th finger. Identifiers: MedGen C1850049, HP:0004209.
RBM8A-related disorder. Also called: RBM8A-related condition.
Inborn genetic diseases. Identifiers: MedGen C0950123, MeSH D030342.
Radial aplasia-thrombocytopenia syndrome (TAR). Also called: Thrombocytopenia Absent Radius Syndrome; TAR syndrome. Identifiers: Orphanet 3320, MedGen C0175703, MeSH C536940, MONDO:0010121, OMIM 274000.

Allele frequency attached by ClinVar (database versions not stated): gnomAD 0.00492 and 0.00518; ESP Exome Variant Server 0.00492; 1000 Genomes Project 30x 0.00062; gnomAD exomes 0.00484 and 0.00547; ExAC 0.00638; 1000 Genomes Project 0.00080; TOPMed 0.00317.
gnomAD v4.1: 7,738 of 1,603,802 alleles (0.48%); highest among the groups gnomAD compares: Non-Finnish European, 0.51%; 52 homozygotes.

Submissions 1 to 10 of 27:

Genetics Laboratory, Great Ormond Street Hospital NHS Foundation Trust, North Thames Genomic Laboratory Hub
Classification: Established risk allele for Fetal anomalies with a likely genetic cause. Last evaluated: 2026-11-25. Review status: criteria provided, single submitter. Criteria: ACGS Best Practice Guidelines for Variant Classification in Rare Disease 2024 v1.2. Collection method: clinical testing. Allele origin: germline. Affected: yes.
Comment: Hypomorphic variant, likely pathogenic only when seen in trans with class 4/5

PreventionGenetics, part of Exact Sciences
Classification: Likely pathogenic for RBM8A-related condition. Last evaluated: 2026-09-15. Review status: criteria provided, single submitter. Criteria: ACMG Guidelines, 2015. Collection method: clinical testing. Allele origin: germline.
Comment: The RBM8A c.67+32G>C variant is predicted to interfere with splicing. The c.67+32G>C substitution is found in apparently unaffected individuals at frequencies over 0.5%. However, significant evidence suggests the c.67+32G>C substitution is a “functional polymorphism” and is likely a cause of disease only when paired with a null RBM8A allele, such as a large 1q21.1 deletion that encompasses the RBM8A gene. Large RBM8A deletions found in trans with a functional polymorphism such as c.67+32G>C have been identified in many patients with autosomal recessive thrombocytopenia with absent radius (TAR) (Albers et al. 2012. PubMed ID: 22366785; Boussion et al. 2020. PubMed ID: 32227665). Therefore, we consider this variant to be likely pathogenic.

Labcorp Genetics (formerly Invitae), Labcorp
Classification: Pathogenic, low penetrance for Radial aplasia-thrombocytopenia syndrome. Last evaluated: 2026-02-02. Review status: criteria provided, single submitter. Criteria: Invitae Variant Classification Sherloc (09022015). Collection method: clinical testing. Allele origin: germline.
Comment: This sequence change falls in intron 1 of the RBM8A gene. It does not directly change the encoded amino acid sequence of the RBM8A protein. Experimental studies have reported that this variant leads to a partial decrease in RBM8A expression in vitro, possibly by disrupting a transcription factor binding site (PMID: 22366785). This variant is present in population databases (rs201779890, gnomAD 2.3%), including at least one homozygous and/or hemizygous individual. This variant has been observed on the opposite chromosome (in trans) from a whole gene deletion of RBM8A in several individuals affected with TAR syndrome (PMID: 22366785). However, it has been reported as homozygous in an unaffected parent (PMID: 22366785). It has also been observed to segregate with disease in related individuals. ClinVar contains an entry for this variant (Variation ID: 30465). Algorithms developed to predict the effect of sequence changes on RNA splicing suggest that this variant may create or strengthen a splice site. In summary, this variant is reported to cause disease. However, as this variant is associated with a lower penetrance than other pathogenic alleles in the RBM8A gene, it has been classified as Pathogenic (low penetrance).

Variantyx, Inc.
Classification: Pathogenic for Radial aplasia-thrombocytopenia syndrome. Last evaluated: 2026-01-14. Review status: criteria provided, single submitter. Criteria: Variantyx Assertion Criteria 2022. Collection method: clinical testing. Allele origin: germline. Inheritance: Autosomal recessive inheritance.
Comment: This is an intronic variant in the RBM8A gene (OMIM: 605313). Pathogenic variants in this gene have been associated with autosomal recessive thrombocytopenia-absent radius syndrome. This variant has been reported in the compound heterozygous state in many unrelated affected individuals (PMID: 22366785, 32227665) (PM3_Very_Strong). However, this variant has been reported in a homozygous state in unaffected individuals as well, which suggests this variant is likely a hypomorphic allele (PMID: 22366785). Algorithms that predict the potential impact of sequence variants on RNA splicing suggest that this variant may disrupt normal splicing (PP3), and functional studies have shown that this variant alters RBM8A protein function/expression (PMID: 22366785, 32227665) (PS3_Moderate). This variant has a 0.5057% maximum allele frequency in non-founder control populations. Based on the current evidence, this variant is classified as pathogenic for autosomal recessive thrombocytopenia-absent radius syndrome.

Ambry Genetics
Classification: Pathogenic for Inborn genetic diseases. Last evaluated: 2025-09-17. Review status: criteria provided, single submitter. Criteria: Ambry Variant Classification Scheme 2023. Collection method: clinical testing. Allele origin: germline.
Comment: The c.67+32G>C intronic alteration results from a G to C substitution 32 nucleotides after coding exon 1 of the RBM8A gene. Based on the available evidence, the RBM8A c.67+32G>C alteration is hypomorphic and is classified as pathogenic when occurring in trans with a loss of function variant. Based on data from gnomAD, the C allele has an overall frequency of 0.571% (1515/265508) total alleles studied, including 12 homozygotes. The highest observed frequency was 2.287% (535/23398) of European (Finnish) alleles. This variant has been identified in conjunction with other RBM8A variant(s) in individual(s) with features consistent with TAR syndrome (Albers, 2012; Miertu&scaron;, 2020; Boussion, 2020; Gabriel, 2022; Marangoni, 2022). In the homozygous state, this variant is not disease-causing. Note, this variant is also referred to as 145507765 intronic G/C in the literature. This nucleotide position is well conserved in available vertebrate species. In an assay testing RBM8A function, this variant showed a functionally abnormal result, namely reduced transcriptional expression in a luciferase assay, which is consistent with a hypomorphic effect (Albers, 2012). In silico splice site analysis for this alteration is inconclusive. Based on the available evidence, this alteration is classified as pathogenic.

3billion
Classification: Likely pathogenic for Radial aplasia-thrombocytopenia syndrome. Last evaluated: 2025-07-17. Review status: criteria provided, single submitter. Criteria: ACMG Guidelines, 2015. Collection method: clinical testing. Allele origin: germline. Affected: yes.
Comment: The variant is observed in the gnomAD v4.1.0 dataset (total allele frequency: 0.482%). Predicted Consequence/Location: Intron variant In silico tools predict the variant to alter splicing and produce an abnormal transcript [SpliceAI: 0.20 (>=0.2, moderate evidence for spliceogenicity)]. The variant has been reported to be in trans with a pathogenic variant as either compound heterozygous or homozygous in at least one similarly affected unrelated individual (PMID: 22366785). The variant has been reported at least twice as pathogenic with clinical assertions and evidence for the classification (ClinVar ID: VCV000030465 /PMID: 22366785 /3billion dataset). Therefore, this variant is classified as Likely pathogenic according to the recommendation of ACMG/AMP guideline.

First Genomix Gene Laboratory, Genetic Diagnostics Department
Classification: Pathogenic for Radial aplasia-thrombocytopenia syndrome. Last evaluated: 2025-03-19. Review status: criteria provided, single submitter. Criteria: ACMG Guidelines, 2015. Collection method: clinical testing. Allele origin: germline. Inheritance: Autosomal recessive inheritance. Affected: no. Observed: 1 variant allele.

Laboratory of Genetics, Children's Clinical University Hospital Latvia
Classification: Pathogenic. Last evaluated: 2025-02-16. Review status: criteria provided, single submitter. Criteria: ACMG Guidelines, 2015. Collection method: clinical testing. Allele origin: germline. Affected: yes.

Blueprint Genetics
Classification: Pathogenic for LIX1L-AS1 & RBM8A-related disorders. Last evaluated: 2024-11-26. Review status: criteria provided, single submitter. Criteria: ACMG Guidelines, 2015. Collection method: clinical testing. Allele origin: germline. Affected: yes. Observed: 5 variant alleles.

GeneDx
Classification: Pathogenic. Last evaluated: 2024-11-22. Review status: criteria provided, single submitter. Criteria: GeneDx Variant Classification Process June 2021. Collection method: clinical testing. Allele origin: germline. Affected: yes.
Comment: Observed multiple times with a null pathogenic variant on the opposite allele (in trans) in unrelated patients with TAR syndrome in the published literature (PMID: 22366785, 28857120); Published functional studies suggest a damaging effect due to disruption of a transcription factor binding site and reduced expression of the resulting protein, consistent with a hypomorphic allele (PMID: 22366785); In silico analysis supports that this variant does not alter splicing; This variant is associated with the following publications: (PMID: 30609409, 27320760, 34906519, 22366785, 30385887, 27348543, 32109542, 32227665, 34958143, 36077017, 28857120)